The following is an entry in ClinVar:

ClinVar aggregate classification (germline): Uncertain significance (1 of 4 stars; one submission).

Conditions:
Parathyroid carcinoma (PRTC). Also called: CDC73-Related Parathyroid Carcinoma; Parathyroid gland carcinoma. Identifiers: Orphanet 143, MedGen C0687150, MONDO:0012004, OMIM 608266, HP:0006780.

Submission:

Labcorp Genetics (formerly Invitae), Labcorp
Classification: Uncertain significance for Parathyroid carcinoma. Last evaluated: 2018-03-08. Review status: criteria provided, single submitter. Criteria: Invitae Variant Classification Sherloc (09022015). Collection method: clinical testing. Allele origin: germline.
Comment: This variant is a gross deletion of the genomic region encompassing exons 16-17 of the CDC73 gene. The 5' boundary is likely confined to intron 15. The 3' end of this event is unknown as it extends through the termination codon beyond the assayed region for this gene and may encompass additional genes. While this deletion is not anticipated to result in nonsense mediated decay, it is expected to create a truncated protein product or disrupt mRNA translation. Similar deletions have not been reported in the literature in individuals affected with CDC73-related diseases. In summary, the available evidence is currently insufficient to determine the role of this variant in disease. Therefore, it has been classified as a Variant of Uncertain Significance.

NC_000001.11:g.(?_193249724)_(193250718_?)del

Gene: CDC73 (cell division cycle 73; plus strand). Cytogenetic location: 1q31.2.
Variant type: Deletion.
Identifiers: ClinVar variation 583926 (VCV000583926.3).